The following is an entry in ClinVar:

ClinVar aggregate classification (germline): Uncertain significance (1 of 4 stars; one submission).

Allele frequency attached by ClinVar (database versions not stated): gnomAD 0.00001; TOPMed 0.00001.
gnomAD v4.1: 1 of 1,613,506 alleles (0.000062%); highest among the groups gnomAD compares: Admixed American, 0.0017%; no homozygotes.

Submission:

CeGaT Center for Human Genetics Tuebingen
Classification: Uncertain significance. Last evaluated: 2024-03-01. Review status: criteria provided, single submitter. Criteria: CeGaT Center For Human Genetics Tuebingen Variant Classification Criteria Version 2. Collection method: clinical testing. Allele origin: germline. Affected: yes. Observed: 1 variant allele.
Comment: CENPF: PM2, BP4

NM_016343.4(CENPF):c.821C>G (p.Ser274Cys)

Gene: CENPF (centromere protein F; plus strand). Cytogenetic location: 1q41.
Variant type: single nucleotide variant.
Coding change: c.821C>G on transcript NM_016343.4 (MANE Select); coding-DNA position 821, C replaced by G.
Protein change: p.Ser274Cys; replaces serine 274 with cysteine.
Molecular consequence: missense variant.
Genome position (GRCh38, 1-based): chr1:214,620,902, C>G. VCF-style: chr1-214620902-C-G. GRCh37 (hg19) VCF-style: chr1-214794245-C-G.
Other names: short protein forms S274C.
Identifiers: ClinVar variation 3027369 (VCV003027369.22), dbSNP rs1657488095, ClinGen allele CA344832402.